The following is an entry in ClinVar:

ClinVar aggregate classification (germline): Uncertain significance (1 of 4 stars; one submission).

Conditions:
ZIC1-related disorder. Also called: ZIC1-related condition.

Submission:

PreventionGenetics, part of Exact Sciences
Classification: Uncertain significance for ZIC1-related condition. Last evaluated: 2023-05-01. Review status: criteria provided, single submitter. Criteria: ACMG Guidelines, 2015. Collection method: clinical testing. Allele origin: germline.
Comment: The ZIC1 c.130A>G variant is predicted to result in the amino acid substitution p.Met44Val. To our knowledge, this variant has not been reported in the literature or in a large population database, indicating this variant is rare. At this time, the clinical significance of this variant is uncertain due to the absence of conclusive functional and genetic evidence.

NM_003412.4(ZIC1):c.130A>G (p.Met44Val)

Gene: ZIC1 (Zic family member 1; plus strand). Cytogenetic location: 3q24.
Variant type: single nucleotide variant.
Coding change: c.130A>G on transcript NM_003412.4 (MANE Select); coding-DNA position 130, A replaced by G.
Protein change: p.Met44Val; replaces methionine 44 with valine.
Molecular consequence: missense variant.
Genome position (GRCh38, 1-based): chr3:147,410,242, A>G. VCF-style: chr3-147410242-A-G. GRCh37 (hg19) VCF-style: chr3-147128029-A-G.
Other names: short protein forms M44V.
Identifiers: ClinVar variation 2633251 (VCV002633251.1), dbSNP rs2473122551, ClinGen allele CA354895978.